The following is an entry in ClinVar:

NM_004655.4(AXIN2):c.1522A>C (p.Lys508Gln)

Gene: AXIN2 (axin 2; minus strand). Cytogenetic location: 17q24.1.
Variant type: single nucleotide variant.
Coding change: c.1522A>C on transcript NM_004655.4 (MANE Select); coding-DNA position 1522, A replaced by C.
Protein change: p.Lys508Gln; replaces lysine 508 with glutamine.
Molecular consequence: missense variant.
Genome position (GRCh38, 1-based): chr17:65,537,514, T>G on the plus strand (A>C on the coding strand, the complement: AXIN2 is on the minus strand). VCF-style: chr17-65537514-T-G. GRCh37 (hg19) VCF-style: chr17-63533632-T-G.
Other names: c.1522A>C, p.Lys508Gln (NM_001363813.1); short protein forms K508Q.
Identifiers: ClinVar variation 2152536 (VCV002152536.5), dbSNP rs2509413639, ClinGen allele CA400677344.
Genomic context (GRCh38, chr17:65,537,514, plus strand): 5'-TGGTCTTGGGGACGGCATGGTGGTGGATGTAGTGGTGGTGGACATGCTTCGTCGTCTGCT[T>G]GGTCACAAAGCCTTTGCCCCCGAGGAGGGGGCAGGCGCCCGGCGAGGCGGCCGCGGGAGG-3'
Protein context (NP_004646.3, residues 498-518): PLLGGKGFVT[Lys508Gln]QTTKHVHHHY

ClinVar aggregate classification (germline): Uncertain significance. Review status: criteria provided, multiple submitters, no conflicts (2 of 4 stars). 2 submissions from 2 submitters: Uncertain significance (2). Last evaluated 2025-08-02.

Conditions:
Hereditary cancer-predisposing syndrome. Also called: Neoplastic Syndromes, Hereditary; Hereditary Cancer Syndrome; Tumor predisposition; Hereditary neoplastic syndrome. Identifiers: Orphanet 140162, MedGen C0027672, MeSH D009386, MONDO:0015356.
Oligodontia-cancer predisposition syndrome. Also called: TOOTH AGENESIS-COLORECTAL CANCER SYNDROME. Identifiers: Orphanet 300576, MedGen C1837750, MONDO:0012075, OMIM 608615. Disease mechanism: loss of function.

Submissions (2):

Ambry Genetics
Classification: Uncertain significance for Hereditary cancer-predisposing syndrome. Last evaluated: 2025-08-02. Review status: criteria provided, single submitter. Criteria: Ambry Variant Classification Scheme 2023. Collection method: clinical testing. Allele origin: germline.
Comment: The p.K508Q variant (also known as c.1522A>C), located in coding exon 5 of the AXIN2 gene, results from an A to C substitution at nucleotide position 1522. The lysine at codon 508 is replaced by glutamine, an amino acid with similar properties. This amino acid position is conserved. In addition, this alteration is predicted to be tolerated by in silico analysis. Based on the available evidence, the clinical significance of this variant remains unclear.

Labcorp Genetics (formerly Invitae), Labcorp
Classification: Uncertain significance for Oligodontia-cancer predisposition syndrome. Last evaluated: 2022-09-28. Review status: criteria provided, single submitter. Criteria: Invitae Variant Classification Sherloc (09022015). Collection method: clinical testing. Allele origin: germline.
Comment: Advanced modeling of protein sequence and biophysical properties (such as structural, functional, and spatial information, amino acid conservation, physicochemical variation, residue mobility, and thermodynamic stability) performed at Invitae indicates that this missense variant is not expected to disrupt AXIN2 protein function. This variant has not been reported in the literature in individuals affected with AXIN2-related conditions. This variant is not present in population databases (gnomAD no frequency). This sequence change replaces lysine, which is basic and polar, with glutamine, which is neutral and polar, at codon 508 of the AXIN2 protein (p.Lys508Gln). In summary, the available evidence is currently insufficient to determine the role of this variant in disease. Therefore, it has been classified as a Variant of Uncertain Significance.